The following is an entry in ClinVar:

ClinVar aggregate classification (germline): Uncertain significance (1 of 4 stars; one submission).

Submission:

Labcorp Genetics (formerly Invitae), Labcorp
Classification: Uncertain significance. Last evaluated: 2024-09-13. Review status: criteria provided, single submitter. Criteria: Invitae Variant Classification Sherloc (09022015). Collection method: clinical testing. Allele origin: germline.
Comment: This sequence change replaces valine, which is neutral and non-polar, with glutamic acid, which is acidic and polar, at codon 892 of the ALPK1 protein (p.Val892Glu). This variant is not present in population databases (gnomAD no frequency). This variant has not been reported in the literature in individuals affected with ALPK1-related conditions. Invitae Evidence Modeling of protein sequence and biophysical properties (such as structural, functional, and spatial information, amino acid conservation, physicochemical variation, residue mobility, and thermodynamic stability) indicates that this missense variant is not expected to disrupt ALPK1 protein function with a negative predictive value of 80%. In summary, the available evidence is currently insufficient to determine the role of this variant in disease. Therefore, it has been classified as a Variant of Uncertain Significance.

NM_025144.4(ALPK1):c.2675T>A (p.Val892Glu)

Gene: ALPK1 (alpha kinase 1; plus strand). Cytogenetic location: 4q25.
Variant type: single nucleotide variant.
Coding change: c.2675T>A on transcript NM_025144.4 (MANE Select); coding-DNA position 2675, T replaced by A.
Protein change: p.Val892Glu; replaces valine 892 with glutamic acid.
Molecular consequence: missense variant.
Genome position (GRCh38, 1-based): chr4:112,432,222, T>A. VCF-style: chr4-112432222-T-A. GRCh37 (hg19) VCF-style: chr4-113353378-T-A.
Other names: c.2675T>A, p.Val892Glu (NM_001102406.2); c.2441T>A, p.Val814Glu (NM_001253884.2); short protein forms V814E, V892E.
Identifiers: ClinVar variation 3675286 (VCV003675286.2).